The following is an entry in ClinVar:

ClinVar aggregate classification (germline): Uncertain significance (1 of 4 stars; one submission).

Submission:

Labcorp Genetics (formerly Invitae), Labcorp
Classification: Uncertain significance. Last evaluated: 2024-11-04. Review status: criteria provided, single submitter. Criteria: Invitae Variant Classification Sherloc (09022015). Collection method: clinical testing. Allele origin: germline.
Comment: This sequence change replaces serine, which is neutral and polar, with asparagine, which is neutral and polar, at codon 800 of the NYNRIN protein (p.Ser800Asn). This variant is not present in population databases (gnomAD no frequency). This variant has not been reported in the literature in individuals affected with NYNRIN-related conditions. Experimental studies and prediction algorithms are not available or were not evaluated, and the functional significance of this variant is currently unknown. In summary, the available evidence is currently insufficient to determine the role of this variant in disease. Therefore, it has been classified as a Variant of Uncertain Significance.

NM_025081.3(NYNRIN):c.2399G>A (p.Ser800Asn)

Gene: NYNRIN (NYN domain and retroviral integrase containing; plus strand). Cytogenetic location: 14q12.
Variant type: single nucleotide variant.
Coding change: c.2399G>A on transcript NM_025081.3 (MANE Select); coding-DNA position 2399, G replaced by A.
Protein change: p.Ser800Asn; replaces serine 800 with asparagine.
Molecular consequence: missense variant.
Genome position (GRCh38, 1-based): chr14:24,410,193, G>A. VCF-style: chr14-24410193-G-A. GRCh37 (hg19) VCF-style: chr14-24879399-G-A.
Other names: short protein forms S800N.
Identifiers: ClinVar variation 3724590 (VCV003724590.2).
Genomic context (GRCh38, chr14:24,410,193, plus strand): 5'-AGCTGAACCTGTCAGGGGAACCTGGAAACCAGGGGTTGCGGCGAGTGGTCATCGATGGCA[G>A]CAGTGTGGCCATGGTGTGAGTAGTCACGGGCGTGGGGTGGGCTGGGGATGCTGTGGACCT-3'
Protein context (NP_079357.2, residues 790-810): QGLRRVVIDG[Ser800Asn]SVAMVHGLQH